The following is an entry in ClinVar:

ClinVar aggregate classification (germline): Uncertain significance (1 of 4 stars; one submission).

Conditions:
Birt-Hogg-Dube syndrome. Also called: Birt Hogg Dubé syndrome. Identifiers: Orphanet 122, MedGen C0346010, MONDO:0800444.

Submission:

Labcorp Genetics (formerly Invitae), Labcorp
Classification: Uncertain significance for Birt-Hogg-Dube syndrome. Last evaluated: 2025-08-28. Review status: criteria provided, single submitter. Criteria: Invitae Variant Classification Sherloc (09022015). Collection method: clinical testing. Allele origin: germline.
Comment: This sequence change replaces lysine, which is basic and polar, with arginine, which is basic and polar, at codon 159 of the FLCN protein (p.Lys159Arg). This variant is not present in population databases (gnomAD no frequency). This variant has not been reported in the literature in individuals affected with FLCN-related conditions. ClinVar contains an entry for this variant (Variation ID: 2901371). Invitae Evidence Modeling of protein sequence and biophysical properties (such as structural, functional, and spatial information, amino acid conservation, physicochemical variation, residue mobility, and thermodynamic stability) indicates that this missense variant is not expected to disrupt FLCN protein function with a negative predictive value of 80%. Algorithms developed to predict the effect of sequence changes on RNA splicing suggest that this variant may create or strengthen a splice site. In summary, the available evidence is currently insufficient to determine the role of this variant in disease. Therefore, it has been classified as a Variant of Uncertain Significance.

NM_144997.7(FLCN):c.476A>G (p.Lys159Arg)

Gene: FLCN (folliculin; minus strand). Cytogenetic location: 17p11.2.
Variant type: single nucleotide variant.
Coding change: c.476A>G on transcript NM_144997.7 (MANE Select); coding-DNA position 476, A replaced by G.
Protein change: p.Lys159Arg; replaces lysine 159 with arginine.
Molecular consequence: missense variant.
Genome position (GRCh38, 1-based): chr17:17,224,064, T>C on the plus strand (A>G on the coding strand, the complement: FLCN is on the minus strand). VCF-style: chr17-17224064-T-C. GRCh37 (hg19) VCF-style: chr17-17127378-T-C.
Other names: c.530A>G, p.Lys177Arg (NM_001353229.2); c.476A>G, p.Lys159Arg (NM_001353230.2, NM_001353231.2, NM_144606.7); short protein forms K159R, K177R.
Identifiers: ClinVar variation 2901371 (VCV002901371.3), dbSNP rs2544255948, ClinGen allele CA398534473.